The following is an entry in ClinVar:

NM_001301820.1(ARMC5):c.24A>C (p.Gly8=)

Genes: ARMC5 (armadillo repeat containing 5; plus strand), LOC130058905 (ATAC-STARR-seq lymphoblastoid active region 10764; plus strand). Cytogenetic location: 16p11.2.
Variant type: single nucleotide variant.
Coding change: c.24A>C on transcript NM_001301820.1; coding-DNA position 24, A replaced by C.
Protein change: p.Gly8=; no amino-acid change (glycine 8 retained).
Molecular consequence: synonymous variant. On other transcripts: 5 prime UTR variant (1), intron variant (1).
Genome position (GRCh38, 1-based): chr16:31,459,325, A>C. VCF-style: chr16-31459325-A-C. GRCh37 (hg19) VCF-style: chr16-31470646-A-C.
Other names: c.-200A>C (NM_024742.2); c.229-143A>C (NM_001288767.2).
Identifiers: ClinVar variation 3038470 (VCV003038470.3), dbSNP rs147875284, ClinGen allele CA8029287.

ClinVar aggregate classification (germline): Likely benign. Review status: criteria provided, single submitter (1 of 4 stars). 2 submissions from 2 submitters: Likely benign (1). 1 of the submissions does not count toward it. Last evaluated 2024-10-24.

Conditions:
ARMC5-related disorder. Also called: ARMC5-related condition.

Allele frequency attached by ClinVar (database versions not stated): 1000 Genomes Project 30x 0.00062; ExAC 0.00079; 1000 Genomes Project 0.00060; gnomAD 0.00073; TOPMed 0.00079; gnomAD exomes 0.00083.
gnomAD v4.1: 1,238 of 1,535,024 alleles (0.081%); highest among the groups gnomAD compares: Non-Finnish European, 0.098%; no homozygotes.

Submissions (2):

Blueprint Genetics
Classification: Likely benign. Last evaluated: 2024-10-24. Review status: criteria provided, single submitter. Criteria: ACMG Guidelines, 2015. Collection method: clinical testing. Allele origin: germline.

PreventionGenetics, part of Exact Sciences
Classification: Likely benign for ARMC5-related condition. Last evaluated: 2019-03-21. Review status: no assertion criteria provided. Collection method: clinical testing. Allele origin: germline. Not counted in ClinVar's aggregate classification.
Comment: This variant is classified as likely benign based on ACMG/AMP sequence variant interpretation guidelines (Richards et al. 2015 PMID: 25741868, with internal and published modifications).